The following is an entry in ClinVar:

ClinVar aggregate classification (germline): Uncertain significance (1 of 4 stars; one submission).

Conditions:
Propionic acidemia (PROP). Also called: GLYCINEMIA, KETOTIC; HYPERGLYCINEMIA WITH KETOACIDOSIS AND LEUKOPENIA; KETOTIC HYPERGLYCINEMIA. Identifiers: Orphanet 35, MedGen C0268579, MONDO:0011628, OMIM 606054, HP:0003571.

Submission:

Labcorp Genetics (formerly Invitae), Labcorp
Classification: Uncertain significance for Propionic acidemia. Last evaluated: 2021-09-20. Review status: criteria provided, single submitter. Criteria: Invitae Variant Classification Sherloc (09022015). Collection method: clinical testing. Allele origin: germline.
Comment: In summary, the available evidence is currently insufficient to determine the role of this variant in disease. Therefore, it has been classified as a Variant of Uncertain Significance. Advanced modeling of protein sequence and biophysical properties (such as structural, functional, and spatial information, amino acid conservation, physicochemical variation, residue mobility, and thermodynamic stability) performed at Invitae indicates that this missense variant is expected to disrupt PCCA protein function. This variant has not been reported in the literature in individuals affected with PCCA-related conditions. This variant is not present in population databases (ExAC no frequency). This sequence change replaces lysine with asparagine at codon 177 of the PCCA protein (p.Lys177Asn). The lysine residue is highly conserved and there is a moderate physicochemical difference between lysine and asparagine.

NM_000282.4(PCCA):c.531G>C (p.Lys177Asn)

Gene: PCCA (propionyl-CoA carboxylase subunit alpha; plus strand). Cytogenetic location: 13q32.3.
Variant type: single nucleotide variant.
Coding change: c.531G>C on transcript NM_000282.4 (MANE Select); coding-DNA position 531, G replaced by C.
Protein change: p.Lys177Asn; replaces lysine 177 with asparagine.
Molecular consequence: missense variant. On other transcripts: 5 prime UTR variant (3), non-coding transcript variant (5).
Genome position (GRCh38, 1-based): chr13:100,209,394, G>C. VCF-style: chr13-100209394-G-C. GRCh37 (hg19) VCF-style: chr13-100861648-G-C.
Other names: c.453G>C, p.Lys151Asn (NM_001127692.3, NM_001352607.2, NM_001352608.2); c.531G>C, p.Lys177Asn (NM_001178004.2, NM_001352605.2, NM_001352606.2 and 1 more transcripts); c.-336G>C (NM_001352610.2, NM_001352611.2, NM_001352612.2); short protein forms K151N, K177N.
Identifiers: ClinVar variation 1520565 (VCV001520565.6), dbSNP rs2152478767, ClinGen allele CA388693382.